The following is an entry in ClinVar:

ClinVar aggregate classification (germline): Likely pathogenic (1 of 4 stars; one submission).

Conditions:
Primary ciliary dyskinesia. Also called: Ciliary dyskinesia. Identifiers: Orphanet 244, MedGen C0008780, MONDO:0016575, HP:0012265.

Submission:

Department of Human Genetics, Hannover Medical School
Classification: Likely pathogenic for Primary Ciliary Dyskinesia. Last evaluated: 2026-04-01. Review status: criteria provided, single submitter. Criteria: ACMG Guidelines, 2015. Collection method: research. Allele origin: germline. Affected: no.
Comment: Classification performed by HerediClassify using the following criteria:['PM2_supporting: Variant occures does not occur as homozygous in gnomAD.', 'PVS1_splicing_very_strong: Transcript ENST00000319359 undergoes NMD.']

NM_025165.3(ELL3):c.823+1G>A

Gene: ELL3 (elongation factor for RNA polymerase II 3; minus strand). Cytogenetic location: 15q15.3.
Variant type: single nucleotide variant.
Coding change: c.823+1G>A on transcript NM_025165.3 (MANE Select); the canonical splice donor site of the intron after coding-DNA position 823, G replaced by A.
Molecular consequence: splice donor variant.
Genome position (GRCh38, 1-based): chr15:43,774,595, C>T on the plus strand (G>A on the coding strand, the complement: ELL3 is on the minus strand). VCF-style: chr15-43774595-C-T. GRCh37 (hg19) VCF-style: chr15-44066793-C-T.
Identifiers: ClinVar variation 4880164 (VCV004880164.1).
Genomic context (GRCh38, chr15:43,774,595, plus strand): 5'-AAAACACAAGTGATTATAAGTCTTTTCCACTGGCATTTTTACCCTCCTCTCATTAACTCA[C>T]CTTCTTGAACTGAGGAACTGTGTTCTAATCTGGGGTCCATGTCCTCATCTTCTTGCTCCC-3'